The following is an entry in ClinVar:

NM_020247.5(COQ8A):c.1090G>A (p.Val364Met)

Gene: COQ8A (coenzyme Q8A; plus strand). Cytogenetic location: 1q42.13.
Variant type: single nucleotide variant.
Coding change: c.1090G>A on transcript NM_020247.5 (MANE Select); coding-DNA position 1090, G replaced by A.
Protein change: p.Val364Met; replaces valine 364 with methionine.
Molecular consequence: missense variant.
Genome position (GRCh38, 1-based): chr1:226,983,561, G>A. VCF-style: chr1-226983561-G-A. GRCh37 (hg19) VCF-style: chr1-227171262-G-A.
Other names: c.1090G>A (NM_020247.4); short protein forms V364M.
Identifiers: ClinVar variation 1355418 (VCV001355418.5), dbSNP rs371269974, ClinGen allele CA1425306.

ClinVar aggregate classification (germline): Uncertain significance. Review status: criteria provided, multiple submitters, no conflicts (2 of 4 stars). 2 submissions from 2 submitters: Uncertain significance (2). Last evaluated 2023-02-13.

Allele frequency attached by ClinVar (database versions not stated): gnomAD 0.00001; ExAC 0.00002; gnomAD exomes 0.00002 and 0.00003; TOPMed 0.00002; ESP Exome Variant Server 0.00008.
gnomAD v4.1: 41 of 1,613,746 alleles (0.0025%); highest among the groups gnomAD compares: South Asian, 0.011%; no homozygotes.

Submissions (2):

GeneDx
Classification: Uncertain significance. Last evaluated: 2023-02-13. Review status: criteria provided, single submitter. Criteria: GeneDx Variant Classification Process June 2021. Collection method: clinical testing. Allele origin: germline. Affected: yes.
Comment: Not observed at significant frequency in large population cohorts (gnomAD); In silico analysis supports that this missense variant has a deleterious effect on protein structure/function; Has not been previously published as pathogenic or benign to our knowledge

Labcorp Genetics (formerly Invitae), Labcorp
Classification: Uncertain significance. Last evaluated: 2022-08-12. Review status: criteria provided, single submitter. Criteria: Invitae Variant Classification Sherloc (09022015). Collection method: clinical testing. Allele origin: germline.
Comment: This sequence change replaces valine, which is neutral and non-polar, with methionine, which is neutral and non-polar, at codon 364 of the COQ8A protein (p.Val364Met). This variant is present in population databases (rs371269974, gnomAD 0.007%). This variant has not been reported in the literature in individuals affected with COQ8A-related conditions. ClinVar contains an entry for this variant (Variation ID: 1355418). Advanced modeling of protein sequence and biophysical properties (such as structural, functional, and spatial information, amino acid conservation, physicochemical variation, residue mobility, and thermodynamic stability) performed at Invitae indicates that this missense variant is expected to disrupt COQ8A protein function. In summary, the available evidence is currently insufficient to determine the role of this variant in disease. Therefore, it has been classified as a Variant of Uncertain Significance.